The following is an entry in ClinVar:

ClinVar aggregate classification (germline): Uncertain significance (1 of 4 stars; one submission).

Conditions:
Brugada syndrome 8 (BRGDA8). Identifiers: Orphanet 130, MedGen C2751083, MONDO:0013148, OMIM 613123.

gnomAD v4.1: 1 of 1,596,608 alleles (0.000063%); no homozygotes.

Submission:

Labcorp Genetics (formerly Invitae), Labcorp
Classification: Uncertain significance for Brugada syndrome 8. Last evaluated: 2024-02-24. Review status: criteria provided, single submitter. Criteria: Invitae Variant Classification Sherloc (09022015). Collection method: clinical testing. Allele origin: germline.
Comment: This sequence change replaces histidine, which is basic and polar, with glutamine, which is neutral and polar, at codon 798 of the HCN4 protein (p.His798Gln). This variant is not present in population databases (gnomAD no frequency). This variant has not been reported in the literature in individuals affected with HCN4-related conditions. ClinVar contains an entry for this variant (Variation ID: 1498567). Advanced modeling of protein sequence and biophysical properties (such as structural, functional, and spatial information, amino acid conservation, physicochemical variation, residue mobility, and thermodynamic stability) performed at Invitae indicates that this missense variant is not expected to disrupt HCN4 protein function with a negative predictive value of 80%. In summary, the available evidence is currently insufficient to determine the role of this variant in disease. Therefore, it has been classified as a Variant of Uncertain Significance.

NM_005477.3(HCN4):c.2394C>G (p.His798Gln)

Gene: HCN4 (hyperpolarization activated cyclic nucleotide gated potassium channel 4; minus strand). Cytogenetic location: 15q24.1.
Variant type: single nucleotide variant.
Coding change: c.2394C>G on transcript NM_005477.3 (MANE Select); coding-DNA position 2394, C replaced by G.
Protein change: p.His798Gln; replaces histidine 798 with glutamine.
Molecular consequence: missense variant.
Genome position (GRCh38, 1-based): chr15:73,323,699, G>C on the plus strand (C>G on the coding strand, the complement: HCN4 is on the minus strand). VCF-style: chr15-73323699-G-C. GRCh37 (hg19) VCF-style: chr15-73616040-G-C.
Other names: short protein forms H798Q.
Identifiers: ClinVar variation 1498567 (VCV001498567.6), dbSNP rs2151214754, ClinGen allele CA393088974.
Genomic context (GRCh38, chr15:73,323,699, plus strand): 5'-ACCGAGGTTGCCCAGCCCAGATCCTGGGGGAGGGCGGAAGATGGCAGCAGGCAGGCGAGG[G>C]TGGTGGGTGAGGGCTATGGCCACAGAAGTGGTGGCAGCGGCAGCCTGCAGTGGTGCCTGG-3'
Protein context (NP_005468.1, residues 788-808): TTSVAIALTH[His798Gln]PRLPAAIFRP